The following is an entry in ClinVar:

ClinVar aggregate classification (germline): Conflicting classifications of pathogenicity. Review status: criteria provided, conflicting classifications (1 of 4 stars). 2 submissions from 2 submitters: Uncertain significance (1); Likely benign (1). Last evaluated 2025-09-02.

Allele frequency attached by ClinVar (database versions not stated): gnomAD exomes 0.00001; ExAC 0.00001.
gnomAD v4.1: 3 of 1,603,748 alleles (0.00019%); highest among the groups gnomAD compares: Non-Finnish European, 0.00026%; no homozygotes.

Submissions (2):

Labcorp Genetics (formerly Invitae), Labcorp
Classification: Likely benign. Last evaluated: 2025-09-02. Review status: criteria provided, single submitter. Criteria: Invitae Variant Classification Sherloc (09022015). Collection method: clinical testing. Allele origin: germline.

CeGaT Center for Human Genetics Tuebingen
Classification: Uncertain significance. Last evaluated: 2025-06-01. Review status: criteria provided, single submitter. Criteria: CeGaT Center For Human Genetics Tuebingen Variant Classification Criteria Version 2. Collection method: clinical testing. Allele origin: germline. Affected: yes. Observed: 1 variant allele.
Comment: SOX10: PP3

NM_006941.4(SOX10):c.1161C>G (p.His387Gln)

Genes: POLR2F (RNA polymerase II, I and III subunit F; plus strand), SOX10 (SRY-box transcription factor 10; minus strand). Cytogenetic location: 22q13.1.
Variant type: single nucleotide variant.
Coding change: c.1161C>G on transcript NM_006941.4 (MANE Select); coding-DNA position 1161, C replaced by G.
Protein change: p.His387Gln; replaces histidine 387 with glutamine.
Molecular consequence: missense variant. On other transcripts: intron variant (3).
Genome position (GRCh38, 1-based): chr22:37,973,735, G>C on the plus strand (C>G on the coding strand, the complement: SOX10 is on the minus strand). VCF-style: chr22-37973735-G-C. GRCh37 (hg19) VCF-style: chr22-38369742-G-C.
Other names: c.*38+1425G>C (NM_001363825.1); c.293+6565G>C (NM_001301130.2, NM_001301131.2); short protein forms H387Q.
Identifiers: ClinVar variation 1953291 (VCV001953291.13), dbSNP rs752779035, ClinGen allele CA10228517.